The following is an entry in ClinVar:

NM_001042492.3(NF1):c.3757C>G (p.Leu1253Val)

Gene: NF1 (neurofibromin 1; plus strand). Cytogenetic location: 17q11.2.
Variant type: single nucleotide variant.
Coding change: c.3757C>G on transcript NM_001042492.3 (MANE Select); coding-DNA position 3757, C replaced by G.
Protein change: p.Leu1253Val; replaces leucine 1253 with valine.
Molecular consequence: missense variant.
Genome position (GRCh38, 1-based): chr17:31,235,659, C>G. VCF-style: chr17-31235659-C-G. GRCh37 (hg19) VCF-style: chr17-29562677-C-G.
Other names: c.3757C>G, p.Leu1253Val (NM_000267.4); short protein forms L1253V.
Identifiers: ClinVar variation 954572 (VCV000954572.6), dbSNP rs2067186931, ClinGen allele CA398992488.
Genomic context (GRCh38, chr17:31,235,659, plus strand): 5'-TTTTGTTCTCAGGATGAACTAGCTCGAGTTCTGGTTACTCTGTTTGATTCTCGGCATTTA[C>G]TCTACCAACTGCTCTGGAACATGTTTTCTAAAGAAGTAGAATTGGCAGACTCCATGCAGA-3'
Protein context (NP_001035957.1, residues 1243-1263): LVTLFDSRHL[Leu1253Val]YQLLWNMFSK

ClinVar aggregate classification (germline): Uncertain significance (1 of 4 stars; one submission).

Conditions:
Neurofibromatosis, type 1 (NF1). Also called: VON RECKLINGHAUSEN DISEASE; NEUROFIBROMATOSIS, TYPE I, SOMATIC; Peripheral type neurofibromatosis; Neurofibromatosis, type I. Identifiers: Orphanet 636, MedGen C0027831, MONDO:0018975, OMIM 162200. Disease mechanism: loss of function.

Submission:

Labcorp Genetics (formerly Invitae), Labcorp
Classification: Uncertain significance for Neurofibromatosis, type 1. Last evaluated: 2022-03-11. Review status: criteria provided, single submitter. Criteria: Invitae Variant Classification Sherloc (09022015). Collection method: clinical testing. Allele origin: germline.
Comment: Advanced modeling of protein sequence and biophysical properties (such as structural, functional, and spatial information, amino acid conservation, physicochemical variation, residue mobility, and thermodynamic stability) performed at Invitae indicates that this missense variant is expected to disrupt NF1 protein function. Algorithms developed to predict the effect of sequence changes on RNA splicing suggest that this variant may create or strengthen a splice site. In summary, the available evidence is currently insufficient to determine the role of this variant in disease. Therefore, it has been classified as a Variant of Uncertain Significance. This sequence change replaces leucine, which is neutral and non-polar, with valine, which is neutral and non-polar, at codon 1253 of the NF1 protein (p.Leu1253Val). This variant is not present in population databases (gnomAD no frequency). This variant has not been reported in the literature in individuals affected with NF1-related conditions. ClinVar contains an entry for this variant (Variation ID: 954572).